The following is an entry in ClinVar:

NM_017619.4(RNPC3):c.1040dup (p.Asn347fs)

Gene: RNPC3 (RNA binding region (RNP1, RRM) containing 3; plus strand). Cytogenetic location: 1p21.1.
Variant type: Duplication.
Coding change: c.1040dup on transcript NM_017619.4 (MANE Select); coding-DNA position 1040, one base duplicated (A; older notation c.1040dupA).
Protein change: p.Asn347fs; shifts the reading frame from asparagine 347.
Molecular consequence: frameshift variant.
Genome position (GRCh38, 1-based): chr1:103,543,442, A duplicated; the last of 7 consecutive A bases (chr1:103,543,436-103,543,442); duplicating any one gives the same sequence. VCF-style (leftmost placement, unchanged base first): chr1-103543435-G-GA. GRCh37 (hg19) VCF-style: chr1-104086057-G-GA.
Other names: c.1040dupA (NM_017619.4); short protein forms N347fs.
Identifiers: ClinVar variation 4888232 (VCV004888232.1).

ClinVar aggregate classification (germline): Likely pathogenic (1 of 4 stars; one submission).

Conditions:
Isolated growth hormone deficiency, type 5. Also called: PITUITARY HORMONE DEFICIENCY, COMBINED OR ISOLATED, 7. Identifiers: MedGen C4748435, MONDO:0032569, OMIM 618160.

Submission:

Genelabs Medical  (pvt) Ltd
Classification: Likely pathogenic for Isolated growth hormone deficiency, type 5. Last evaluated: 2026-08-03. Review status: criteria provided, single submitter. Criteria: ACMG Guidelines, 2015. Collection method: clinical testing. Allele origin: germline. Inheritance: Autosomal recessive inheritance. Affected: no. Observed: 1 heterozygote.
Comment: The frameshift variant NM_017619.4(RNPC3):c.1040dupA (p.Asn347Lysfs*3) results in a duplication of one nucleotide, causing a frameshift that introduces a premature stop codon three amino acids downstream. This variant is predicted to result in a truncated or absent protein product due to nonsense-mediated decay (NMD), consistent with a loss-of-function mechanism. Loss of function in RNPC3 is a known disease mechanism, and pathogenic frameshift variants have previously been reported in association with Isolated growth hormone deficiency, type 5. There are 2 downstream pathogenic loss of function variants, with the furthest variant being 155ss residues downstream of this variant. The c.1040dupA variant is variant is observed in 1/77,942 (0.00128%) alleles from individuals of South Asian background in gnomAD. Based on these factors, this variant is classified as Likely Pathogenic. (PVS1, PM2_Supporting)